The following is an entry in ClinVar:

ClinVar aggregate classification (germline): Uncertain significance (1 of 4 stars; one submission).

Conditions:
Developmental delay with variable intellectual disability and dysmorphic facies. Identifiers: MedGen C5774242, MONDO:0859306, OMIM 620098.

Submission:

Clinical Genomics Laboratory, Washington University in St. Louis
Classification: Uncertain significance for Developmental delay with variable intellectual disability and dysmorphic facies. Last evaluated: 2025-10-05. Review status: criteria provided, single submitter. Criteria: ACMG Guidelines, 2015. Collection method: clinical testing. Allele origin: germline.
Comment: The JARID2 c.2574C>A (p.Asp858Glu) variant, to our knowledge, has not been reported in the medical literature and is absent from the general population (gnomAD v.4.1.0), indicating it is not a common variant. Some computational predictors suggest that the variant does not impact JARID2 function. Due to limited information, and based on ACMG/AMP guidelines for variant interpretation (Richards S et al., PMID: 25741868), the clinical significance of this variant is uncertain at this time.

NM_004973.4(JARID2):c.2574C>A (p.Asp858Glu)

Gene: JARID2 (jumonji and AT-rich interaction domain containing 2; plus strand). Cytogenetic location: 6p22.3.
Variant type: single nucleotide variant.
Coding change: c.2574C>A on transcript NM_004973.4 (MANE Select); coding-DNA position 2574, C replaced by A.
Protein change: p.Asp858Glu; replaces aspartic acid 858 with glutamic acid.
Molecular consequence: missense variant.
Genome position (GRCh38, 1-based): chr6:15,507,168, C>A. VCF-style: chr6-15507168-C-A. GRCh37 (hg19) VCF-style: chr6-15507399-C-A.
Other names: c.2058C>A, p.Asp686Glu (NM_001267040.1); short protein forms D686E, D858E.
Identifiers: ClinVar variation 4879559 (VCV004879559.1).